The following is an entry in ClinVar:

NM_003238.6(TGFB2):c.1086+4A>G

Gene: TGFB2 (transforming growth factor beta 2; plus strand). Cytogenetic location: 1q41.
Variant type: single nucleotide variant.
Coding change: c.1086+4A>G on transcript NM_003238.6 (MANE Select); 4 bases into the intron after coding-DNA position 1086, A replaced by G.
Molecular consequence: intron variant.
Genome position (GRCh38, 1-based): chr1:218,437,500, A>G. VCF-style: chr1-218437500-A-G. GRCh37 (hg19) VCF-style: chr1-218610842-A-G.
Other names: c.1170+4A>G (NM_001135599.4).
Identifiers: ClinVar variation 3709704 (VCV003709704.2).

ClinVar aggregate classification (germline): Uncertain significance (1 of 4 stars; one submission).

Conditions:
Loeys-Dietz syndrome 4 (LDS4). Also called: ANEURYSM, AORTIC AND CEREBRAL, WITH ARTERIAL TORTUOSITY AND SKELETAL MANIFESTATIONS; TGFB2-Related Loeys-Dietz Syndrome. Identifiers: MedGen C3553762, MONDO:0013897, OMIM 614816.

Submission:

Labcorp Genetics (formerly Invitae), Labcorp
Classification: Uncertain significance for Loeys-Dietz syndrome 4. Last evaluated: 2024-07-14. Review status: criteria provided, single submitter. Criteria: Invitae Variant Classification Sherloc (09022015). Collection method: clinical testing. Allele origin: germline.
Comment: This sequence change falls in intron 6 of the TGFB2 gene. It does not directly change the encoded amino acid sequence of the TGFB2 protein. It affects a nucleotide within the consensus splice site. This variant is not present in population databases (gnomAD no frequency). This variant has not been reported in the literature in individuals affected with TGFB2-related conditions. Variants that disrupt the consensus splice site are a relatively common cause of aberrant splicing (PMID: 17576681, 9536098). Algorithms developed to predict the effect of sequence changes on RNA splicing suggest that this variant is not likely to affect RNA splicing. In summary, the available evidence is currently insufficient to determine the role of this variant in disease. Therefore, it has been classified as a Variant of Uncertain Significance.

Literature cited by the submitters: PubMed 17576681; PubMed 9536098.